The following is an entry in ClinVar:

ClinVar aggregate classification (germline): Uncertain significance. Review status: criteria provided, multiple submitters, no conflicts (2 of 4 stars). 2 submissions from 2 submitters: Uncertain significance (2). Last evaluated 2025-10-25.

Conditions:
Inborn genetic diseases. Identifiers: MedGen C0950123, MeSH D030342.
Fanconi anemia (FA). Also called: Fanconi's anemia. Identifiers: Orphanet 84, MedGen C0015625, MeSH D005199, MONDO:0019391.

Allele frequency attached by ClinVar (database versions not stated): gnomAD exomes below 0.00001.
gnomAD v4.1: 2 of 1,613,024 alleles (0.00012%); highest among the groups gnomAD compares: East Asian, 0.0045%; no homozygotes.

Submissions (2):

Ambry Genetics
Classification: Uncertain significance for Inborn genetic diseases. Last evaluated: 2025-10-25. Review status: criteria provided, single submitter. Criteria: Ambry Variant Classification Scheme 2023. Collection method: clinical testing. Allele origin: germline.
Comment: The p.D202G variant (also known as c.605A>G), located in coding exon 7 of the FANCA gene, results from an A to G substitution at nucleotide position 605. The aspartic acid at codon 202 is replaced by glycine, an amino acid with similar properties. This amino acid position is conserved. In addition, this alteration is predicted to be tolerated by in silico analysis. Based on the available evidence, the clinical significance of this variant remains unclear.

Labcorp Genetics (formerly Invitae), Labcorp
Classification: Uncertain significance for Fanconi anemia. Last evaluated: 2024-11-05. Review status: criteria provided, single submitter. Criteria: Invitae Variant Classification Sherloc (09022015). Collection method: clinical testing. Allele origin: germline.
Comment: This sequence change replaces aspartic acid, which is acidic and polar, with glycine, which is neutral and non-polar, at codon 202 of the FANCA protein (p.Asp202Gly). This variant is not present in population databases (gnomAD no frequency). This variant has not been reported in the literature in individuals affected with FANCA-related conditions. ClinVar contains an entry for this variant (Variation ID: 1979951). Invitae Evidence Modeling of protein sequence and biophysical properties (such as structural, functional, and spatial information, amino acid conservation, physicochemical variation, residue mobility, and thermodynamic stability) indicates that this missense variant is expected to disrupt FANCA protein function with a positive predictive value of 95%. In summary, the available evidence is currently insufficient to determine the role of this variant in disease. Therefore, it has been classified as a Variant of Uncertain Significance.

NM_000135.4(FANCA):c.605A>G (p.Asp202Gly)

Gene: FANCA (FA complementation group A; minus strand). Cytogenetic location: 16q24.3.
Variant type: single nucleotide variant.
Coding change: c.605A>G on transcript NM_000135.4 (MANE Select); coding-DNA position 605, A replaced by G.
Protein change: p.Asp202Gly; replaces aspartic acid 202 with glycine.
Molecular consequence: missense variant.
Genome position (GRCh38, 1-based): chr16:89,805,384, T>C on the plus strand (A>G on the coding strand, the complement: FANCA is on the minus strand). VCF-style: chr16-89805384-T-C. GRCh37 (hg19) VCF-style: chr16-89871792-T-C.
Other names: c.605A>G, p.Asp202Gly (NM_001018112.3, NM_001286167.3); c.509A>G, p.Asp170Gly (NM_001351830.2); short protein forms D202G, D170G.
Identifiers: ClinVar variation 1979951 (VCV001979951.5), dbSNP rs1319211682, ClinGen allele CA397478249.
Genomic context (GRCh38, chr16:89,805,384, plus strand): 5'-TCCATCTGTTCACAAAGGCAGCACAGATTCCTGAAGAGCCACGATCCCACAGCATGCATG[T>C]CGGGATGGCTGGAGACACACACAGAGGCAGACGTAAGGCTCAACTAAATCCCATCATCAG-3'
Protein context (NP_000126.2, residues 192-212): SLQELLESHP[Asp202Gly]MHAVGSWLFR